The following is an entry in ClinVar:

ClinVar aggregate classification (germline): Likely benign. Review status: criteria provided, single submitter (1 of 4 stars). 2 submissions from 2 submitters: Likely benign (1). 1 of the submissions does not count toward it. Last evaluated 2024-03-21.

Conditions:
Aortic valve disease 2 (AOVD2). Identifiers: MedGen C3542024, MONDO:0013902, OMIM 614823.
TBX5-related disorder. Also called: TBX5-related condition.

Allele frequency attached by ClinVar (database versions not stated): TOPMed 0.00001; gnomAD 0.00002; gnomAD exomes 0.00007; ExAC 0.00002; ESP Exome Variant Server 0.00008.
gnomAD v4.1: 108 of 1,607,134 alleles (0.0067%); highest among the groups gnomAD compares: Non-Finnish European, 0.0085%; no homozygotes.

Submissions (2):

Labcorp Genetics (formerly Invitae), Labcorp
Classification: Likely benign for Aortic valve disease 2. Last evaluated: 2024-03-21. Review status: criteria provided, single submitter. Criteria: Invitae Variant Classification Sherloc (09022015). Collection method: clinical testing. Allele origin: germline.

PreventionGenetics, part of Exact Sciences
Classification: Likely benign for TBX5-related condition. Last evaluated: 2021-01-19. Review status: no assertion criteria provided. Collection method: clinical testing. Allele origin: germline. Not counted in ClinVar's aggregate classification.
Comment: This variant is classified as likely benign based on ACMG/AMP sequence variant interpretation guidelines (Richards et al. 2015 PMID: 25741868, with internal and published modifications).

NM_181486.4(TBX5):c.983-8C>T

Gene: TBX5 (T-box transcription factor 5; minus strand). Cytogenetic location: 12q24.21.
Variant type: single nucleotide variant.
Coding change: c.983-8C>T on transcript NM_181486.4 (MANE Select); 8 bases into the intron before coding-DNA position 983, C replaced by T.
Molecular consequence: intron variant.
Genome position (GRCh38, 1-based): chr12:114,356,114, G>A on the plus strand (C>T on the coding strand, the complement: TBX5 is on the minus strand). VCF-style: chr12-114356114-G-A. GRCh37 (hg19) VCF-style: chr12-114793919-G-A.
Other names: c.833-8C>T (NM_080717.4); c.983-8C>T (NM_000192.3).
Identifiers: ClinVar variation 2041617 (VCV002041617.6), dbSNP rs368472780, ClinGen allele CA6809428.
Genomic context (GRCh38, chr12:114,356,114, plus strand): 5'-TGTCTCCATGTAGGGCTTCTTATAGGGATGGTCTGTGGTGGAACATTCTTCCTCTGTGAA[G>A]ACAGGAGAGACAGCAGTGAGGCCAGGAGCAGGCACCAGGCAGCTAAAAGTGGAGACAGTT-3'